The following is an entry in ClinVar:

NM_020208.4(SLC6A20):c.*446G>A

Gene: SLC6A20 (solute carrier family 6 member 20; minus strand). Cytogenetic location: 3p21.31.
Variant type: single nucleotide variant.
Coding change: c.*446G>A on transcript NM_020208.4 (MANE Select); 446 bases downstream of the stop codon, G replaced by A.
Molecular consequence: 3 prime UTR variant.
Genome position (GRCh38, 1-based): chr3:45,758,532, C>T on the plus strand (G>A on the coding strand, the complement: SLC6A20 is on the minus strand). VCF-style: chr3-45758532-C-T. GRCh37 (hg19) VCF-style: chr3-45800024-C-T.
Other names: c.*446G>A (NM_022405.4).
Identifiers: ClinVar variation 345391 (VCV000345391.5), dbSNP rs60986539, ClinGen allele CA10615987.

ClinVar aggregate classification (germline): Likely benign (1 of 4 stars; one submission).

Conditions:
Hyperglycinuria. Also called: GLYCINURIA WITH OR WITHOUT OXALATE NEPHROLITHIASIS; GLYCINURIA WITH OR WITHOUT OXALATE UROLITHIASIS; IMINOGLYCINURIA TYPE II. Identifiers: MedGen C0543541, MONDO:0007677, OMIM 138500, HP:0003108.

Allele frequency attached by ClinVar (database versions not stated): gnomAD exomes 0.00078; gnomAD 0.00979 and 0.01053; 1000 Genomes Project 30x 0.01031; 1000 Genomes Project 0.01058; TOPMed 0.01143.

Submission:

Illumina Laboratory Services, Illumina
Classification: Likely benign for Hyperglycinuria. Last evaluated: 2018-01-13. Review status: criteria provided, single submitter. Criteria: ICSL Variant Classification Criteria 13 December 2019. Collection method: clinical testing. Allele origin: germline.
Comment: This variant was observed in the ICSL laboratory as part of a predisposition screen in an ostensibly healthy population. It had not been previously curated by ICSL or reported in the Human Gene Mutation Database (HGMD: prior to June 1st, 2018), and was therefore a candidate for classification through an automated scoring system. Utilizing variant allele frequency, disease prevalence and penetrance estimates, and inheritance mode, an automated score was calculated to assess if this variant is too frequent to cause the disease. Based on the score and internal cut-off values, a variant classified as likely benign is not then subjected to further curation. The score for this variant resulted in a classification of likely benign for this disease.